The following is an entry in ClinVar:

NM_001330078.2(NRXN1):c.2314G>T (p.Asp772Tyr)

Gene: NRXN1 (neurexin 1; minus strand). Cytogenetic location: 2p16.3.
Variant type: single nucleotide variant.
Coding change: c.2314G>T on transcript NM_001330078.2 (MANE Select); coding-DNA position 2314, G replaced by T.
Protein change: p.Asp772Tyr; replaces aspartic acid 772 with tyrosine.
Molecular consequence: missense variant.
Genome position (GRCh38, 1-based): chr2:50,531,260, C>A on the plus strand (G>T on the coding strand, the complement: NRXN1 is on the minus strand). VCF-style: chr2-50531260-C-A. GRCh37 (hg19) VCF-style: chr2-50758398-C-A.
Other names: c.2434G>T, p.Asp812Tyr (NM_001135659.3); c.2290G>T, p.Asp764Tyr (NM_001330077.2, NM_001330082.2, NM_001330095.2); c.2275G>T, p.Asp759Tyr (NM_001330083.2, NM_001330084.2); c.2314G>T, p.Asp772Tyr (NM_001330085.2, NM_001330086.2, NM_004801.6); c.2230G>T, p.Asp744Tyr (NM_001330087.2, NM_001330096.2); c.2260G>T, p.Asp754Tyr (NM_001330088.2); c.2311G>T, p.Asp771Tyr (NM_001330093.2); c.2302G>T, p.Asp768Tyr (NM_001330094.2); short protein forms D754Y, D768Y, D744Y, D759Y, D771Y, D772Y, D764Y, D812Y.
Identifiers: ClinVar variation 1480260 (VCV001480260.8), dbSNP rs1176656152, ClinGen allele CA346769463.
Genomic context (GRCh38, chr2:50,531,260, plus strand): 5'-GTTCAATGGGGGAAGGCAGGTTGTTACCTAGATTGACCGTCAGTTTCACACGTCCTGCGT[C>A]TAGCTCCAGGCGGAGGGTGTCAGCAGAGTCTCTAGAAGTGGTTGCCATCAGAATGCCATA-3'
Protein context (NP_001317007.1, residues 762-782): DSADTLRLEL[Asp772Tyr]AGRVKLTVNL

ClinVar aggregate classification (germline): Uncertain significance (1 of 4 stars; one submission).

Conditions:
Pitt-Hopkins-like syndrome 2 (PTHSL2). Identifiers: Orphanet 221150, Orphanet 600663, MedGen C3280479, MONDO:0013690, OMIM 614325.

Allele frequency attached by ClinVar (database versions not stated): gnomAD exomes below 0.00001; TOPMed below 0.00001; gnomAD 0.00001.
gnomAD v4.1: 2 of 1,613,406 alleles (0.00012%); highest among the groups gnomAD compares: Admixed American, 0.0017%; no homozygotes.

Submission:

Labcorp Genetics (formerly Invitae), Labcorp
Classification: Uncertain significance for Pitt-Hopkins-like syndrome 2. Last evaluated: 2025-10-28. Review status: criteria provided, single submitter. Criteria: Invitae Variant Classification Sherloc (09022015). Collection method: clinical testing. Allele origin: germline.
Comment: This sequence change replaces aspartic acid, which is acidic and polar, with tyrosine, which is neutral and polar, at codon 812 of the NRXN1 protein (p.Asp812Tyr). This variant is present in population databases (no rsID available, gnomAD 0.003%). This variant has not been reported in the literature in individuals affected with NRXN1-related conditions. ClinVar contains an entry for this variant (Variation ID: 1480260). An algorithm developed to predict the effect of missense changes on protein structure and function (PolyPhen-2) suggests that this variant is likely to be disruptive. In summary, the available evidence is currently insufficient to determine the role of this variant in disease. Therefore, it has been classified as a Variant of Uncertain Significance.